The following is an entry in ClinVar:

NM_198586.3(NHLRC1):c.695C>A (p.Thr232Asn)

Gene: NHLRC1 (NHL repeat containing E3 ubiquitin protein ligase 1; minus strand). Cytogenetic location: 6p22.3.
Variant type: single nucleotide variant.
Coding change: c.695C>A on transcript NM_198586.3 (MANE Select); coding-DNA position 695, C replaced by A.
Protein change: p.Thr232Asn; replaces threonine 232 with asparagine.
Molecular consequence: missense variant.
Genome position (GRCh38, 1-based): chr6:18,121,912, G>T on the plus strand (C>A on the coding strand, the complement: NHLRC1 is on the minus strand). VCF-style: chr6-18121912-G-T. GRCh37 (hg19) VCF-style: chr6-18122143-G-T.
Other names: short protein forms T232N.
Identifiers: ClinVar variation 1381674 (VCV001381674.8), dbSNP rs371640803, ClinGen allele CA362826479.

ClinVar aggregate classification (germline): Uncertain significance (1 of 4 stars; one submission).

Conditions:
Lafora disease. Also called: Epilepsy progressive myoclonic 2; Progressive Myoclonus Epilepsy, Lafora Type. Identifiers: Orphanet 501, MedGen C0751783, MONDO:0009697.

Submission:

Labcorp Genetics (formerly Invitae), Labcorp
Classification: Uncertain significance for Lafora disease. Last evaluated: 2021-03-25. Review status: criteria provided, single submitter. Criteria: Invitae Variant Classification Sherloc (09022015). Collection method: clinical testing. Allele origin: germline.
Comment: This variant is not present in population databases (ExAC no frequency). In summary, the available evidence is currently insufficient to determine the role of this variant in disease. Therefore, it has been classified as a Variant of Uncertain Significance. Algorithms developed to predict the effect of missense changes on protein structure and function are either unavailable or do not agree on the potential impact of this missense change (SIFT: "Deleterious"; PolyPhen-2: "Possibly Damaging"; Align-GVGD: "Class C0"). This variant has not been reported in the literature in individuals with NHLRC1-related conditions. This sequence change replaces threonine with asparagine at codon 232 of the NHLRC1 protein (p.Thr232Asn). The threonine residue is highly conserved and there is a small physicochemical difference between threonine and asparagine.